The following is an entry in ClinVar:

ClinVar aggregate classification (germline): Uncertain significance (1 of 4 stars; one submission).

Conditions:
Hereditary cancer-predisposing syndrome. Also called: Hereditary neoplastic syndrome; Hereditary Cancer Syndrome; Neoplastic Syndromes, Hereditary; Tumor predisposition. Identifiers: Orphanet 140162, MedGen C0027672, MeSH D009386, MONDO:0015356.

Submission:

Color Diagnostics, LLC DBA Color Health
Classification: Uncertain significance for Hereditary cancer-predisposing syndrome. Last evaluated: 2023-03-28. Review status: criteria provided, single submitter. Criteria: ACMG Guidelines, 2015. Collection method: clinical testing. Allele origin: germline.
Comment: This missense variant replaces histidine with leucine at codon 87 of the PALB2 protein. Computational prediction suggests that this variant may not impact protein structure and function (internally defined REVEL score threshold <= 0.5, PMID: 27666373). To our knowledge, functional studies have not been reported for this variant. This variant has not been reported in individuals affected with PALB2-related disorders in the literature. This variant has not been identified in the general population by the Genome Aggregation Database (gnomAD). The available evidence is insufficient to determine the role of this variant in disease conclusively. Therefore, this variant is classified as a Variant of Uncertain Significance.

NM_024675.4(PALB2):c.260A>T (p.His87Leu)

Gene: PALB2 (partner and localizer of BRCA2; minus strand). Cytogenetic location: 16p12.2.
Variant type: single nucleotide variant.
Coding change: c.260A>T on transcript NM_024675.4 (MANE Select); coding-DNA position 260, A replaced by T.
Protein change: p.His87Leu; replaces histidine 87 with leucine.
Molecular consequence: missense variant. On other transcripts: 5 prime UTR variant (8), intron variant (3).
Genome position (GRCh38, 1-based): chr16:23,636,286, T>A on the plus strand (A>T on the coding strand, the complement: PALB2 is on the minus strand). VCF-style: chr16-23636286-T-A. GRCh37 (hg19) VCF-style: chr16-23647607-T-A.
Other names: c.200A>T, p.His67Leu (NM_001407296.1); c.260A>T, p.His87Leu (NM_001407297.1, NM_001407298.1, NM_001407299.1 and 3 more transcripts); c.-626A>T (NM_001407304.1, NM_001407305.1, NM_001407306.1 and 5 more transcripts); c.48+4824A>T (NM_001407314.1); c.-105+4824A>T (NM_001407313.1, NM_001407312.1); short protein forms H67L, H87L.
Identifiers: ClinVar variation 2774023 (VCV002774023.2), dbSNP rs1251028803, ClinGen allele CA395138884.